The following is an entry in ClinVar:

ClinVar aggregate classification (germline): Conflicting classifications of pathogenicity. Review status: criteria provided, conflicting classifications (1 of 4 stars). 3 submissions from 3 submitters: Uncertain significance (1); Likely benign (1). 1 of the submissions does not count toward it. Last evaluated 2024-06-18.

Conditions:
Hereditary cancer-predisposing syndrome. Also called: Neoplastic Syndromes, Hereditary; Tumor predisposition; Hereditary neoplastic syndrome; Hereditary Cancer Syndrome. Identifiers: Orphanet 140162, MedGen C0027672, MeSH D009386, MONDO:0015356.
Bloom syndrome (BLM). Also called: Bloom-Torre-Machacek syndrome. Identifiers: Orphanet 125, MedGen C0005859, MONDO:0008876, OMIM 210900.

Allele frequency attached by ClinVar (database versions not stated): gnomAD exomes below 0.00001; TOPMed below 0.00001; gnomAD 0.00001.
gnomAD v4.1: 3 of 1,609,550 alleles (0.00019%); highest among the groups gnomAD compares: Non-Finnish European, 0.00017%; no homozygotes.

Submissions (3):

Ambry Genetics
Classification: Likely benign for Hereditary cancer-predisposing syndrome. Last evaluated: 2024-06-18. Review status: criteria provided, single submitter. Criteria: Ambry Variant Classification Scheme 2023. Collection method: clinical testing. Allele origin: germline.

Labcorp Genetics (formerly Invitae), Labcorp
Classification: Uncertain significance for Bloom syndrome. Last evaluated: 2022-09-01. Review status: criteria provided, single submitter. Criteria: Invitae Variant Classification Sherloc (09022015). Collection method: clinical testing. Allele origin: germline.
Comment: This sequence change replaces arginine, which is basic and polar, with lysine, which is basic and polar, at codon 364 of the BLM protein (p.Arg364Lys). This variant is not present in population databases (gnomAD no frequency). This variant has not been reported in the literature in individuals affected with BLM-related conditions. ClinVar contains an entry for this variant (Variation ID: 567460). Algorithms developed to predict the effect of missense changes on protein structure and function output the following: SIFT: "Tolerated"; PolyPhen-2: "Benign"; Align-GVGD: "Class C0". The lysine amino acid residue is found in multiple mammalian species, which suggests that this missense change does not adversely affect protein function. RNA analysis performed to evaluate the impact of this missense change on mRNA splicing indicates it does not significantly alter splicing (Invitae). In summary, the available evidence is currently insufficient to determine the role of this variant in disease. Therefore, it has been classified as a Variant of Uncertain Significance.

Natera, Inc.
Classification: Uncertain significance for Bloom syndrome. Last evaluated: 2020-02-21. Review status: no assertion criteria provided. Collection method: clinical testing. Allele origin: germline. Not counted in ClinVar's aggregate classification.

NM_000057.4(BLM):c.1091G>A (p.Arg364Lys)

Gene: BLM (BLM RecQ like helicase; plus strand). Cytogenetic location: 15q26.1.
Variant type: single nucleotide variant.
Coding change: c.1091G>A on transcript NM_000057.4 (MANE Select); coding-DNA position 1091, G replaced by A.
Protein change: p.Arg364Lys; replaces arginine 364 with lysine.
Molecular consequence: missense variant. On other transcripts: 5 prime UTR variant (1).
Genome position (GRCh38, 1-based): chr15:90,760,150, G>A. VCF-style: chr15-90760150-G-A. GRCh37 (hg19) VCF-style: chr15-91303380-G-A.
Other names: c.1091G>A, p.Arg364Lys (NM_001287246.2, NM_001287247.2); c.-35G>A (NM_001287248.2); c.1091G>A (NM_000057.2); short protein forms R364K.
Identifiers: ClinVar variation 567460 (VCV000567460.7), dbSNP rs1374291628, ClinGen allele CA393842286.